The following is an entry in ClinVar:

ClinVar aggregate classification (germline): Pathogenic. Review status: criteria provided, multiple submitters, no conflicts (2 of 4 stars). 3 submissions from 3 submitters: Pathogenic (3). Last evaluated 2025-02-25.

Conditions:
Hereditary leiomyomatosis and renal cell cancer. Also called: MULTIPLE CUTANEOUS AND UTERINE LEIOMYOMATA 1, WITH OR WITHOUT RENAL CELL CARCINOMA; LEIOMYOMA, MULTIPLE CUTANEOUS; Familial leiomyomatosis; Multiple cutaneous leiomyomas; FH tumor predisposition syndrome; Reed syndrome. Identifiers: Orphanet 523, MedGen C1708350, MONDO:0007888, OMIM 150800, HP:0007437. Disease mechanism: loss of function.
Hereditary cancer-predisposing syndrome. Also called: Hereditary neoplastic syndrome; Neoplastic Syndromes, Hereditary; Hereditary Cancer Syndrome; Tumor predisposition. Identifiers: Orphanet 140162, MedGen C0027672, MeSH D009386, MONDO:0015356.

gnomAD v4.1: 1 of 1,614,174 alleles (0.000062%); highest among the groups gnomAD compares: South Asian, 0.0011%; no homozygotes.

Submissions (3):

Labcorp Genetics (formerly Invitae), Labcorp
Classification: Pathogenic. Last evaluated: 2025-02-25. Review status: criteria provided, single submitter. Criteria: Invitae Variant Classification Sherloc (09022015). Collection method: clinical testing. Allele origin: germline.
Comment: This sequence change creates a premature translational stop signal (p.Cys333*) in the FH gene. It is expected to result in an absent or disrupted protein product. Loss-of-function variants in FH are known to be pathogenic (PMID: 11865300, 21398687). This variant is not present in population databases (gnomAD no frequency). This variant has not been reported in the literature in individuals affected with FH-related conditions. ClinVar contains an entry for this variant (Variation ID: 529804). For these reasons, this variant has been classified as Pathogenic.

Myriad Genetics, Inc.
Classification: Pathogenic for Hereditary leiomyomatosis and renal cell cancer. Last evaluated: 2024-07-10. Review status: criteria provided, single submitter. Criteria: Myriad Autosomal Dominant, Autosomal Recessive and X-Linked Classification Criteria (2023). Collection method: clinical testing. Allele origin: unknown.
Comment: This variant is considered pathogenic. This variant creates a termination codon and is predicted to result in premature protein truncation.

Ambry Genetics
Classification: Pathogenic for Hereditary cancer-predisposing syndrome. Last evaluated: 2022-09-14. Review status: criteria provided, single submitter. Criteria: Ambry Variant Classification Scheme 2023. Collection method: clinical testing. Allele origin: germline.
Comment: The p.C333* pathogenic mutation (also known as c.999C>A), located in coding exon 7 of the FH gene, results from a C to A substitution at nucleotide position 999. This changes the amino acid from a cysteine to a stop codon within coding exon 7. This variant is considered to be rare based on population cohorts in the Genome Aggregation Database (gnomAD). This alteration is expected to result in loss of function by premature protein truncation or nonsense-mediated mRNA decay. As such, this alteration is interpreted as a disease-causing mutation.

Literature cited by the submitters: PubMed 11865300 (cited by Labcorp Genetics (formerly Invitae), Labcorp); PubMed 21398687 (cited by Labcorp Genetics (formerly Invitae), Labcorp).

NM_000143.4(FH):c.999C>A (p.Cys333Ter)

Gene: FH (fumarate hydratase; minus strand). Cytogenetic location: 1q43.
Variant type: single nucleotide variant.
Coding change: c.999C>A on transcript NM_000143.4 (MANE Select); coding-DNA position 999, C replaced by A.
Protein change: p.Cys333Ter; replaces cysteine 333 with a stop codon.
Molecular consequence: nonsense.
Genome position (GRCh38, 1-based): chr1:241,504,151, G>T on the plus strand (C>A on the coding strand, the complement: FH is on the minus strand). VCF-style: chr1-241504151-G-T. GRCh37 (hg19) VCF-style: chr1-241667451-G-T.
Other names: short protein forms C333*.
Identifiers: ClinVar variation 529804 (VCV000529804.13), dbSNP rs1553341031, ClinGen allele CA345438252.